The following is an entry in ClinVar:

ClinVar aggregate classification (germline): Uncertain significance (1 of 4 stars; one submission).

Conditions:
Fanconi anemia complementation group J. Also called: BRIP1-Related Fanconi Anemia. Identifiers: Orphanet 84, MedGen C1836860, MONDO:0012187, OMIM 609054.
Familial cancer of breast. Also called: Hereditary breast cancer; hereditary breast carcinoma; BREAST CANCER, FAMILIAL. Identifiers: Orphanet 227535, MedGen C0346153, MONDO:0016419, OMIM 114480. Disease mechanism: loss of function.

Submission:

Labcorp Genetics (formerly Invitae), Labcorp
Classification: Uncertain significance for Familial cancer of breast; Fanconi anemia complementation group J. Last evaluated: 2025-07-18. Review status: criteria provided, single submitter. Criteria: Invitae Variant Classification Sherloc (09022015). Collection method: clinical testing. Allele origin: germline.
Comment: This sequence change replaces lysine, which is basic and polar, with arginine, which is basic and polar, at codon 886 of the BRIP1 protein (p.Lys886Arg). This variant is not present in population databases (gnomAD no frequency). This variant has not been reported in the literature in individuals affected with BRIP1-related conditions. Invitae Evidence Modeling of protein sequence and biophysical properties (such as structural, functional, and spatial information, amino acid conservation, physicochemical variation, residue mobility, and thermodynamic stability) indicates that this missense variant is not expected to disrupt BRIP1 protein function with a negative predictive value of 95%. In summary, the available evidence is currently insufficient to determine the role of this variant in disease. Therefore, it has been classified as a Variant of Uncertain Significance.

NM_032043.3(BRIP1):c.2657A>G (p.Lys886Arg)

Gene: BRIP1 (BRCA1 interacting DNA helicase 1; minus strand). Cytogenetic location: 17q23.2.
Variant type: single nucleotide variant.
Coding change: c.2657A>G on transcript NM_032043.3 (MANE Select); coding-DNA position 2657, A replaced by G.
Protein change: p.Lys886Arg; replaces lysine 886 with arginine.
Molecular consequence: missense variant.
Genome position (GRCh38, 1-based): chr17:61,686,084, T>C on the plus strand (A>G on the coding strand, the complement: BRIP1 is on the minus strand). VCF-style: chr17-61686084-T-C. GRCh37 (hg19) VCF-style: chr17-59763445-T-C.
Other names: short protein forms K886R.
Identifiers: ClinVar variation 4783242 (VCV004783242.1).
Genomic context (GRCh38, chr17:61,686,084, plus strand): 5'-TCATTGTCCTGTATATTGGTTCTGTCCTTTATGGATACATTAAGAACTTTTTGATGCTTT[T>C]TGGAAAATTCAGCCAAGGATTCCAGTGCACTTTCAAAGGTTGAATGGTGCTGAATCTGCT-3'
Protein context (NP_114432.2, residues 876-896): SALESLAEFS[Lys886Arg]KHQKVLNVSI